The following is an entry in ClinVar:

ClinVar aggregate classification (germline): Uncertain significance (1 of 4 stars; one submission).

gnomAD v4.1: 6 of 1,208,979 alleles (0.0005%); highest among the groups gnomAD compares: Non-Finnish European, 0.00067%; no homozygotes.

Submission:

Labcorp Genetics (formerly Invitae), Labcorp
Classification: Uncertain significance. Last evaluated: 2025-07-30. Review status: criteria provided, single submitter. Criteria: Invitae Variant Classification Sherloc (09022015). Collection method: clinical testing. Allele origin: germline.
Comment: This sequence change replaces arginine, which is basic and polar, with glutamine, which is neutral and polar, at codon 2690 of the HUWE1 protein (p.Arg2690Gln). This variant is not present in population databases (gnomAD no frequency). This variant has not been reported in the literature in individuals affected with HUWE1-related conditions. Invitae Evidence Modeling of protein sequence and biophysical properties (such as structural, functional, and spatial information, amino acid conservation, physicochemical variation, residue mobility, and thermodynamic stability) has been performed for this missense variant. However, the output from this modeling did not meet the statistical confidence thresholds required to predict the impact of this variant on HUWE1 protein function. In summary, the available evidence is currently insufficient to determine the role of this variant in disease. Therefore, it has been classified as a Variant of Uncertain Significance.

NM_031407.7(HUWE1):c.8069G>A (p.Arg2690Gln)

Gene: HUWE1 (HECT, UBA and WWE domain containing E3 ubiquitin protein ligase 1; minus strand). Cytogenetic location: Xp11.22.
Variant type: single nucleotide variant.
Coding change: c.8069G>A on transcript NM_031407.7 (MANE Select); coding-DNA position 8069, G replaced by A.
Protein change: p.Arg2690Gln; replaces arginine 2690 with glutamine.
Molecular consequence: missense variant.
Genome position (GRCh38, 1-based): chrX:53,558,746, C>T on the plus strand (G>A on the coding strand, the complement: HUWE1 is on the minus strand). VCF-style: chrX-53558746-C-T. GRCh37 (hg19) VCF-style: chrX-53585707-C-T.
Other names: c.8066G>A, p.Arg2689Gln (NM_001441048.1, NM_001441051.1, NM_001441053.1 and 2 more transcripts); c.8069G>A, p.Arg2690Gln (NM_001441049.1, NM_001441054.1, NM_001441057.1); c.8090G>A, p.Arg2697Gln (NM_001441050.1, NM_001441055.1); c.7667G>A, p.Arg2556Gln (NM_001441052.1); short protein forms R2697Q, R2689Q, R2690Q, R2556Q.
Identifiers: ClinVar variation 4781604 (VCV004781604.1).